The following is an entry in ClinVar:

NM_000195.5(HPS1):c.507+2T>G

Gene: HPS1 (HPS1 biogenesis of lysosomal organelles complex 3 subunit 1; minus strand). Cytogenetic location: 10q24.2.
Variant type: single nucleotide variant.
Coding change: c.507+2T>G on transcript NM_000195.5 (MANE Select); the canonical splice donor site of the intron after coding-DNA position 507, T replaced by G.
Molecular consequence: splice donor variant. On other transcripts: 5 prime UTR variant (3), synonymous variant (3), missense variant (2).
Genome position (GRCh38, 1-based): chr10:98,433,981, A>C on the plus strand (T>G on the coding strand, the complement: HPS1 is on the minus strand). VCF-style: chr10-98433981-A-C. GRCh37 (hg19) VCF-style: chr10-100193738-A-C.
Other names: c.-408T>G (NM_001311345.2, NM_001322489.2); c.366T>G, p.Gly122= (NM_001322480.2, NM_001322481.2, NM_001322482.2); c.-507T>G (NM_001322487.2); c.509T>G, p.Val170Gly (NM_001322490.2, NM_001322492.2); c.138+2T>G (NM_001322483.2, NM_001322485.2, NM_001322484.2); c.507+2T>G (NM_001322478.2, NM_001322476.2, NM_001322479.2 and 3 more transcripts); short protein forms V170G.
Identifiers: ClinVar variation 694728 (VCV000694728.6), dbSNP rs1591109881, ClinGen allele CA378053734.

ClinVar aggregate classification (germline): Likely pathogenic (1 of 4 stars; one submission).

Conditions:
Hermansky-Pudlak syndrome 1 (HPS1). Also called: DELTA STORAGE POOL DISEASE. Identifiers: Orphanet 231500, Orphanet 79430, MedGen C2931875, MONDO:0008748, OMIM 203300.

Allele frequency attached by ClinVar (database versions not stated): gnomAD exomes below 0.00001.
gnomAD v4.1: 3 of 1,555,966 alleles (0.00019%); highest among the groups gnomAD compares: Non-Finnish European, 0.00026%; no homozygotes.

Submission:

Diagnostics Services (NGS), CSIR - Centre For Cellular And Molecular Biology
Classification: Likely pathogenic for Hermansky-Pudlak syndrome 1. Last evaluated: 2019-08-05. Review status: criteria provided, single submitter. Criteria: ACMG Guidelines, 2015. Collection method: clinical testing. Allele origin: germline. Inheritance: Autosomal recessive inheritance. Affected: yes. Observed: 1 compound heterozygote.
Comment: The c.507+2T>G is a donor splice-site variant, may affect the splicing. This variant is not present only in publicly available databases like 1000 Genomes, Exome Variant Server (EVS), Exome Aggregation Consortium (ExAC), Genome Aggregation Database (gnomAD) and dbSNP. The variant is not present in our in-house exome database. This variant was not reported earlier in other patients of HPS1 in OMIM, HGMD and ClinVar databases. In-silico pathogenicity prediction programs like SIFT, Polyphen2, Mutation Taster2, CADD, InterVar etc. predicted it to be likely disease causing. As per ACMG guidelines the variant has been classified as likely pathogenic.